The following is an entry in ClinVar:

NM_001204.7(BMPR2):c.1487G>A (p.Cys496Tyr)

Gene: BMPR2 (bone morphogenetic protein receptor type 2; plus strand). Cytogenetic location: 2q33.2.
Variant type: single nucleotide variant.
Coding change: c.1487G>A on transcript NM_001204.7 (MANE Select); coding-DNA position 1487, G replaced by A.
Protein change: p.Cys496Tyr; replaces cysteine 496 with tyrosine.
Molecular consequence: missense variant.
Genome position (GRCh38, 1-based): chr2:202,552,789, G>A. VCF-style: chr2-202552789-G-A. GRCh37 (hg19) VCF-style: chr2-203417512-G-A.
Other names: c.1487G>A (LRG_712t1); short protein forms C496Y.
Identifiers: ClinVar variation 425954 (VCV000425954.11), dbSNP rs1085307362, ClinGen allele CA350344634.

ClinVar aggregate classification (germline): Pathogenic/Likely pathogenic. Review status: criteria provided, multiple submitters, no conflicts (2 of 4 stars). 3 submissions from 3 submitters: Pathogenic (1); Likely pathogenic (1). 1 of the submissions does not count toward it. Last evaluated 2024-05-13.

Conditions:
Pulmonary hypertension, primary, 1 (PPH1). Also called: Pulmonary hypertension, familial primary, 1, with or without HHT. Identifiers: Orphanet 422, MedGen C4552070, MONDO:0024533, OMIM 178600.
Primary pulmonary hypertension. Also called: Idiopathic pulmonary hypertension. Identifiers: MedGen C0152171.

Submissions (3):

Labcorp Genetics (formerly Invitae), Labcorp
Classification: Pathogenic for Primary pulmonary hypertension. Last evaluated: 2024-05-13. Review status: criteria provided, single submitter. Criteria: Invitae Variant Classification Sherloc (09022015). Collection method: clinical testing. Allele origin: germline.
Comment: This sequence change replaces cysteine, which is neutral and slightly polar, with tyrosine, which is neutral and polar, at codon 496 of the BMPR2 protein (p.Cys496Tyr). This variant is not present in population databases (gnomAD no frequency). This missense change has been observed in individuals with pulmonary arterial hypertension (PMID: 16429395; Invitae). ClinVar contains an entry for this variant (Variation ID: 425954). Advanced modeling performed at Invitae incorporating data from internal and/or published experimental studies (Invitae) indicates that this missense variant is expected to disrupt BMPR2 function with a positive predictive value of 95%. Experimental studies have shown that this missense change affects BMPR2 function (PMID: 25688877). This variant disrupts the p.Cys496 amino acid residue in BMPR2. Other variant(s) that disrupt this residue have been determined to be pathogenic (Invitae). This suggests that this residue is clinically significant, and that variants that disrupt this residue are likely to be disease-causing. For these reasons, this variant has been classified as Pathogenic.

ARUP Laboratories, Molecular Genetics and Genomics, ARUP Laboratories
Classification: Likely pathogenic. Last evaluated: 2019-12-24. Review status: criteria provided, single submitter. Criteria: ARUP Molecular Germline Variant Investigation Process. Collection method: clinical testing. Allele origin: germline.
Comment: The BMPR2 c.1487G>A; p.Cys496Tyr variant (rs1085307362) is reported in the literature in an individual with a personal and family history of pulmonary arterial hypertension (PAH) (Machado 2006). Functional data indicate that this variant, like other cysteine substitution variants in the kinase domain of BMPR2, results in a disruption of trafficking to the plasma membrane, with the majority of protein localized to the endoplasmic reticulum (John 2015). The p.Cys496Tyr variant is absent from general population databases (Exome Variant Server, Genome Aggregation Database), indicating it is not a common polymorphism. The cysteine at codon 496 is highly conserved, it occurs in the functionally important kinase domain of BMPR2, and computational analyses (SIFT, PolyPhen-2) predict that this variant is deleterious. Additionally, another amino acid substitution at this codon (p.Cys496Arg) has been reported in individuals with PAH (Machado 2015, Yang 2018). Based on available information, the p.Cys496Tyr variant is considered to be likely pathogenic. References: John et al. Defective cellular trafficking of the bone morphogenetic protein receptor type II by mutations underlying familial pulmonary arterial hypertension. Gene. 2015; 561(1): 148-156. Machado et al. Mutations of the TGF-beta type II receptor BMPR2 in pulmonary arterial hypertension. Hum Mutat. 2006; 27(2): 121-132. Machado et al. Pulmonary Arterial Hypertension: A Current Perspective on Established and Emerging Molecular Genetic Defects. Hum Mutat. 2015; 36(12): 1113-1127. Yang H et al. Genetic analyses in a cohort of 191 pulmonary arterial hypertension patients. Respir Res. 2018 May 9;19(1):87.

Rare Disease Genomics Group, St George's University of London
Classification: Pathogenic for Primary pulmonary hypertension. Review status: no assertion criteria provided. Collection method: literature only. Allele origin: germline. Affected: yes. Not counted in ClinVar's aggregate classification.

Literature cited by the submitters: PubMed 16429395 (cited by Labcorp Genetics (formerly Invitae), Labcorp and Rare Disease Genomics Group, St George's University of London); PubMed 25688877 (cited by Labcorp Genetics (formerly Invitae), Labcorp).